The following is an entry in ClinVar:

NM_001277313.2(FMN1):c.2028G>A (p.Leu676=)

Gene: FMN1 (formin 1; minus strand). Cytogenetic location: 15q13.3.
Variant type: single nucleotide variant.
Coding change: c.2028G>A on transcript NM_001277313.2 (MANE Select); coding-DNA position 2028, G replaced by A.
Protein change: p.Leu676=; no amino-acid change (leucine 676 retained).
Molecular consequence: synonymous variant.
Genome position (GRCh38, 1-based): chr15:33,088,814, C>T on the plus strand (G>A on the coding strand, the complement: FMN1 is on the minus strand). VCF-style: chr15-33088814-C-T. GRCh37 (hg19) VCF-style: chr15-33381015-C-T.
Other names: c.2028G>A (NM_001277313.1).
Identifiers: ClinVar variation 3025646 (VCV003025646.23), dbSNP rs62000392, ClinGen allele CA7457480.
Genomic context (GRCh38, chr15:33,088,814, plus strand): 5'-TTGACCACAAAGAACCACAGCACAATCACCAAGATTTCTACTTACATGGAGATCCAAGTA[C>T]AATTCGCTCCTGTTTGACTTCTCCCTTTCCTCATGAAGCAAAAATGGACAGGCTGGTCCC-3'
Protein context (NP_001264242.1, residues 666-686): EEREKSNRSE[Leu676=]YLDLHPDHSL

ClinVar aggregate classification (germline): Benign. Review status: criteria provided, single submitter (1 of 4 stars). 2 submissions from 2 submitters: Benign (1). 1 of the submissions does not count toward it. Last evaluated 2023-12-01.

Conditions:
FMN1-related disorder. Also called: FMN1-related condition.

Allele frequency attached by ClinVar (database versions not stated): ExAC 0.00050; gnomAD 0.00226; TOPMed 0.00257; 1000 Genomes Project 30x 0.00297; 1000 Genomes Project 0.00300.
gnomAD v4.1: 597 of 1,535,508 alleles (0.039%); highest among the groups gnomAD compares: African/African-American, 0.76%; 1 homozygote.

Submissions (2):

CeGaT Center for Human Genetics Tuebingen
Classification: Benign. Last evaluated: 2023-12-01. Review status: criteria provided, single submitter. Criteria: CeGaT Center For Human Genetics Tuebingen Variant Classification Criteria Version 2. Collection method: clinical testing. Allele origin: germline. Affected: yes. Observed: 1 variant allele.
Comment: FMN1: BP4, BS1, BS2

PreventionGenetics, part of Exact Sciences
Classification: Likely benign for FMN1-related condition. Last evaluated: 2019-03-07. Review status: no assertion criteria provided. Collection method: clinical testing. Allele origin: germline. Not counted in ClinVar's aggregate classification.
Comment: This variant is classified as likely benign based on ACMG/AMP sequence variant interpretation guidelines (Richards et al. 2015 PMID: 25741868, with internal and published modifications).